The following is an entry in ClinVar:

ClinVar aggregate classification (germline): Pathogenic. Review status: criteria provided, multiple submitters, no conflicts (2 of 4 stars). 4 submissions from 3 submitters: Pathogenic (2). 2 of the submissions do not count toward it. Last evaluated 2024-11-06.

Conditions:
Hemoglobinopathy. Also called: Hemoglobin disorder; Haemoglobinopathies. Identifiers: MedGen C0019045, MONDO:0044348.
HEMOGLOBIN ALESHA.
HEMOGLOBIN BRISTOL.

Submissions (4):

Women's Health and Genetics/Laboratory Corporation of America, LabCorp
Classification: Pathogenic for Hemoglobinopathy. Last evaluated: 2024-11-06. Review status: criteria provided, single submitter. Criteria: LabCorp Variant Classification Summary - May 2015. Collection method: clinical testing. Allele origin: germline.
Comment: Variant summary: HBB c.202G>A (p.Val68Met) results in a conservative amino acid change located in the Globin domain of the encoded protein sequence. Four of five in-silico tools predict a damaging effect of the variant on protein function. The variant was absent in 251432 control chromosomes. c.202G>A has been reported in the literature in heterozygous state in multiple individuals affected with severe Haemolytic anaemia and were transfusion dependent in the early years of life (examples: Molchanova_1993, Jiang_2016, Pedroso_2017, Hamid_2019, Su_2019, Corrons_2022, Zhang_2023). These data indicate that the variant is very likely to be associated with disease. At-least two of these cases were reported as de novo (Pedroso_ 2017, Hamid_ 2019) however, most published cases were without a family history for the disease (Table 1 in Zhang_2023). The following publications have been ascertained in the context of this evaluation (PMID: 8330974, 28361590, 28670945, 30316205, 31084366, 35091138, 37457725). ClinVar contains an entry for this variant (Variation ID: 15536). Based on the evidence outlined above, the variant was classified as pathogenic.

Quest Diagnostics Nichols Institute San Juan Capistrano
Classification: Pathogenic. Last evaluated: 2024-11-05. Review status: criteria provided, single submitter. Criteria: Quest Diagnostics criteria. Collection method: clinical testing. Allele origin: unknown.
Comment: The HBB c.202G>A (p.Val68Met) variant (also known as Hb Bristol, Hb Alesha, Hb Bristol-Alesha) has been characterized as a unstable hemoglobin variant, reported in the heterozygous state in multiple individuals with transfusion-dependent, severe hemolytic anemia (PMIDs: 37457725 (2023), 35091138 (2022), 17654076 (2007), 15646651 (2004), 8704193 (1996), 8330974 (1993)), and occurred as a de novo variant in two families (PMIDs: 28670945 (2017), 30316205 (2019)). This variant has not been reported in large, multi-ethnic general populations (Genome Aggregation Database). Analysis of this variant using bioinformatics tools for the prediction of the effect of amino acid changes on protein structure and function yielded predictions that this variant is damaging. Based on the available information, this variant is classified as pathogenic.

OMIM
Classification: other for HEMOGLOBIN BRISTOL. Last evaluated: 2017-12-12. Review status: no assertion criteria provided. Collection method: literature only. Allele origin: germline. Not counted in ClinVar's aggregate classification.

OMIM
Classification: other for HEMOGLOBIN ALESHA. Last evaluated: 1993-06-01. Review status: no assertion criteria provided. Collection method: literature only. Allele origin: germline. Not counted in ClinVar's aggregate classification.

Literature cited by the submitters: PubMed 8330974 (cited by 3 submitters); PubMed 28670945 (cited by Women's Health and Genetics/Laboratory Corporation of America, LabCorp and Quest Diagnostics Nichols Institute San Juan Capistrano); PubMed 35091138 (cited by Women's Health and Genetics/Laboratory Corporation of America, LabCorp and Quest Diagnostics Nichols Institute San Juan Capistrano); PubMed 30316205 (cited by Women's Health and Genetics/Laboratory Corporation of America, LabCorp and Quest Diagnostics Nichols Institute San Juan Capistrano); PubMed 28361590 (cited by Women's Health and Genetics/Laboratory Corporation of America, LabCorp); PubMed 31084366 (cited by Women's Health and Genetics/Laboratory Corporation of America, LabCorp); PubMed 37457725 (cited by Women's Health and Genetics/Laboratory Corporation of America, LabCorp and Quest Diagnostics Nichols Institute San Juan Capistrano); PubMed 17654076 (cited by Quest Diagnostics Nichols Institute San Juan Capistrano); PubMed 15646651 (cited by Quest Diagnostics Nichols Institute San Juan Capistrano); PubMed 8704193 (cited by Quest Diagnostics Nichols Institute San Juan Capistrano and OMIM); PubMed 3997544 (cited by Quest Diagnostics Nichols Institute San Juan Capistrano and OMIM); PubMed 5420592 (cited by Quest Diagnostics Nichols Institute San Juan Capistrano and OMIM); Cathie, I. A. B. Apparent idiopathic Heinz body anaemia. Great Ormond Street J. 2: 43-48, 1952. (cited by OMIM); PubMed 8330977 (cited by OMIM).

NM_000518.4(HBB):c.202G>A (p.Val68Met)

Genes: HBB (hemoglobin subunit beta; minus strand), LOC106099062 (HBB recombination region; plus strand), LOC107133510 (origin of replication at HBB; plus strand). Cytogenetic location: 11p15.4.
Variant type: single nucleotide variant.
Coding change: c.202G>A on transcript NM_000518.4; coding-DNA position 202, G replaced by A.
Protein change: p.Val68Met; replaces valine 68 with methionine.
Molecular consequence: missense variant (on NM_000518.5).
Genome position (GRCh38, 1-based): chr11:5,226,690, C>T on the plus strand (G>A on the coding strand, the complement: HBB is on the minus strand). VCF-style: chr11-5226690-C-T. GRCh37 (hg19) VCF-style: chr11-5247920-C-T.
Other names: V67M; HBB, VAL67MET-TO-ASP; c.202G>A, p.Val68Met (NM_000518.5); short protein forms V68M.
Identifiers: ClinVar variation 15536 (VCV000015536.6), dbSNP rs36008922, ClinGen allele CA124768.
Genomic context (GRCh38, chr11:5,226,690, plus strand): 5'-TGGCAAAGGTGCCCTTGAGGTTGTCCAGGTGAGCCAGGCCATCACTAAAGGCACCGAGCA[C>T]TTTCTTGCCATGAGCCTTCACCTTAGGGTTGCCCATAACAGCATCAGGAGTGGACAGATC-3'
Protein context (NP_000509.1, residues 58-78): NPKVKAHGKK[Val68Met]LGAFSDGLAH